The following is an entry in ClinVar:

ClinVar aggregate classification (germline): Uncertain significance. Review status: criteria provided, multiple submitters, no conflicts (2 of 4 stars). 3 submissions from 3 submitters: Uncertain significance (3). Last evaluated 2026-01-02.

Conditions:
Renal cell carcinoma. Identifiers: Orphanet 217071, MedGen C0007134, MeSH D002292, MONDO:0005086, HP:0005584.
Hereditary cancer-predisposing syndrome. Also called: Neoplastic Syndromes, Hereditary; Tumor predisposition; Hereditary Cancer Syndrome; Hereditary neoplastic syndrome. Identifiers: Orphanet 140162, MedGen C0027672, MeSH D009386, MONDO:0015356.

Submissions (3):

Labcorp Genetics (formerly Invitae), Labcorp
Classification: Uncertain significance for Renal cell carcinoma. Last evaluated: 2026-01-02. Review status: criteria provided, single submitter. Criteria: Invitae Variant Classification Sherloc (09022015). Collection method: clinical testing. Allele origin: germline.
Comment: This sequence change replaces tyrosine, which is neutral and polar, with histidine, which is basic and polar, at codon 853 of the MET protein (p.Tyr853His). This variant is not present in population databases (gnomAD no frequency). This variant has not been reported in the literature in individuals affected with MET-related conditions. ClinVar contains an entry for this variant (Variation ID: 1977208). An algorithm developed to predict the effect of missense changes on protein structure and function (PolyPhen-2) suggests that this variant is likely to be disruptive. In summary, the available evidence is currently insufficient to determine the role of this variant in disease. Therefore, it has been classified as a Variant of Uncertain Significance.

Blueprint Genetics
Classification: Uncertain significance. Last evaluated: 2024-05-21. Review status: criteria provided, single submitter. Criteria: ACMG Guidelines, 2015. Collection method: clinical testing. Allele origin: germline.

Ambry Genetics
Classification: Uncertain significance for Hereditary cancer-predisposing syndrome. Last evaluated: 2023-08-11. Review status: criteria provided, single submitter. Criteria: Ambry Variant Classification Scheme 2023. Collection method: clinical testing. Allele origin: germline.
Comment: The p.Y853H variant (also known as c.2557T>C), located in coding exon 10 of the MET gene, results from a T to C substitution at nucleotide position 2557. The tyrosine at codon 853 is replaced by histidine, an amino acid with similar properties. This amino acid position is conserved. In addition, this alteration is predicted to be deleterious by in silico analysis. Since supporting evidence is limited at this time, the clinical significance of this alteration remains unclear.

NM_000245.4(MET):c.2503T>C (p.Tyr835His)

Gene: MET (MET proto-oncogene, receptor tyrosine kinase; plus strand). Cytogenetic location: 7q31.2.
Variant type: single nucleotide variant.
Coding change: c.2503T>C on transcript NM_000245.4 (MANE Select); coding-DNA position 2503, T replaced by C.
Protein change: p.Tyr835His; replaces tyrosine 835 with histidine.
Molecular consequence: missense variant.
Genome position (GRCh38, 1-based): chr7:116,763,188, T>C. VCF-style: chr7-116763188-T-C. GRCh37 (hg19) VCF-style: chr7-116403242-T-C.
Other names: c.2557T>C, p.Tyr853His (NM_001127500.3); c.2503T>C, p.Tyr835His (NM_001324401.3); c.1213T>C, p.Tyr405His (NM_001324402.2); short protein forms Y835H, Y405H, Y853H.
Identifiers: ClinVar variation 1977208 (VCV001977208.8), dbSNP rs2116956244, ClinGen allele CA368983446.
Genomic context (GRCh38, chr7:116,763,188, plus strand): 5'-CTGAAAACCAAAGCCTTTTTCATGTTAGATGGGATCCTTTCCAAATACTTTGATCTCATT[T>C]ATGTACATAATCCTGTGTTTAAGCCTTTTGAAAAGCCAGTGATGATCTCAATGGGCAATG-3'
Protein context (NP_000236.2, residues 825-845): GILSKYFDLI[Tyr835His]VHNPVFKPFE